The following is an entry in ClinVar:

ClinVar aggregate classification (germline): Benign (0 of 4 stars; one submission).

Conditions:
ISL1-related disorder. Also called: ISL1-related condition.

Allele frequency attached by ClinVar (database versions not stated): ExAC 0.37390; 1000 Genomes Project 0.37740; gnomAD exomes 0.37847; 1000 Genomes Project 30x 0.38429; gnomAD 0.41464; TOPMed 0.41817; ESP Exome Variant Server 0.42126.
gnomAD v4.1: 613,423 of 1,610,652 alleles (38%); highest among the groups gnomAD compares: African/African-American, 54%; 119,826 homozygotes.

Submission:

PreventionGenetics, part of Exact Sciences
Classification: Benign for ISL1-related condition. Last evaluated: 2019-10-17. Review status: no assertion criteria provided. Collection method: clinical testing. Allele origin: germline.
Comment: This variant is classified as benign based on ACMG/AMP sequence variant interpretation guidelines (Richards et al. 2015 PMID: 25741868, with internal and published modifications).

NM_002202.3(ISL1):c.504A>G (p.Pro168=)

Gene: ISL1 (ISL LIM homeobox 1; plus strand). Cytogenetic location: 5q11.1.
Variant type: single nucleotide variant.
Coding change: c.504A>G on transcript NM_002202.3 (MANE Select); coding-DNA position 504, A replaced by G.
Protein change: p.Pro168=; no amino-acid change (proline 168 retained).
Molecular consequence: synonymous variant.
Genome position (GRCh38, 1-based): chr5:51,389,671, A>G. VCF-style: chr5-51389671-A-G. GRCh37 (hg19) VCF-style: chr5-50685505-A-G.
Identifiers: ClinVar variation 3060342 (VCV003060342.2), dbSNP rs2303751, ClinGen allele CA3261020.